The following is an entry in ClinVar:

NM_000501.4(ELN):c.728_729del (p.Gly243fs)

Gene: ELN (elastin; plus strand). Cytogenetic location: 7q11.23.
Variant type: Deletion.
Coding change: c.728_729del on transcript NM_000501.4 (MANE Select); coding-DNA positions 728 to 729, 2 bases deleted (GT; older notation c.728_729delGT).
Protein change: p.Gly243fs; shifts the reading frame from glycine 243.
Molecular consequence: frameshift variant.
Genome position (GRCh38, 1-based): chr7:74,048,184-74,048,185, GT deleted. VCF-style (leftmost placement, unchanged base first): chr7-74048183-GGT-G. GRCh37 (hg19) VCF-style: chr7-73462513-GGT-G.
Other names: c.728_729delGT (NM_000501.2); c.698_699del, p.Gly233fs (NM_001081752.3, NM_001278917.2); c.743_744del, p.Gly248fs (NM_001081753.3, NM_001081754.3); c.728_729del, p.Gly243fs (NM_001081755.3, NM_001278912.2, NM_001278915.2 and 1 more transcripts); c.620_621del, p.Gly207fs (NM_001278913.2); c.713_714del, p.Gly238fs (NM_001278914.2); c.686_687del, p.Gly229fs (NM_001278916.2); c.596_597del, p.Gly199fs (NM_001278918.2); short protein forms G233fs, G243fs, G248fs, G199fs, G207fs, G229fs, G238fs.
Identifiers: ClinVar variation 213196 (VCV000213196.4), dbSNP rs863223527, ClinGen allele CA323200.
Genomic context (GRCh38, chr7:74,048,183, plus strand): 5'-AAGCCTCTCTGTTTTGCAGGCTATGGGCCCGGAGGAGTGGCTGGTGCAGCGGGCAAGGCT[GGT>G]TACCCAACAGGGACAGGTAAGGAAAGCCTCACGTCACTTCCAGCCAAGGGAGCACTGATC-3'

ClinVar aggregate classification (germline): Pathogenic (1 of 4 stars; one submission).

Submission:

GeneDx
Classification: Pathogenic. Last evaluated: 2022-11-03. Review status: criteria provided, single submitter. Criteria: GeneDx Variant Classification Process June 2021. Collection method: clinical testing. Allele origin: germline. Affected: yes.
Comment: Frameshift variant predicted to result in protein truncation or nonsense mediated decay in a gene for which loss of function is a known mechanism of disease; Not observed at significant frequency in large population cohorts (gnomAD); Has not been previously published as pathogenic or benign to our knowledge